The following is an entry in ClinVar:

NM_152383.5(DIS3L2):c.946C>G (p.Leu316Val)

Gene: DIS3L2 (DIS3 like 3'-5' exoribonuclease 2; plus strand). Cytogenetic location: 2q37.1.
Variant type: single nucleotide variant.
Coding change: c.946C>G on transcript NM_152383.5 (MANE Select); coding-DNA position 946, C replaced by G.
Protein change: p.Leu316Val; replaces leucine 316 with valine.
Molecular consequence: missense variant. On other transcripts: non-coding transcript variant (1).
Genome position (GRCh38, 1-based): chr2:232,136,715, C>G. VCF-style: chr2-232136715-C-G. GRCh37 (hg19) VCF-style: chr2-233001425-C-G.
Other names: c.946C>G (NM_152383.4); c.946C>G, p.Leu316Val (NM_001257281.2); short protein forms L316V.
Identifiers: ClinVar variation 1018873 (VCV001018873.11), dbSNP rs1574902661, ClinGen allele CA351153944.

ClinVar aggregate classification (germline): Uncertain significance. Review status: criteria provided, multiple submitters, no conflicts (2 of 4 stars). 2 submissions from 2 submitters: Uncertain significance (2). Last evaluated 2025-07-30.

Conditions:
Inborn genetic diseases. Identifiers: MedGen C0950123, MeSH D030342.
Perlman syndrome (PRLMNS). Identifiers: Orphanet 2849, MedGen C0796113, MONDO:0009965, OMIM 267000.

Allele frequency attached by ClinVar (database versions not stated): gnomAD exomes below 0.00001.
gnomAD v4.1: 2 of 1,613,442 alleles (0.00012%); highest among the groups gnomAD compares: African/African-American, 0.0013%; no homozygotes.

Submissions (2):

Labcorp Genetics (formerly Invitae), Labcorp
Classification: Uncertain significance for Perlman syndrome. Last evaluated: 2025-07-30. Review status: criteria provided, single submitter. Criteria: Invitae Variant Classification Sherloc (09022015). Collection method: clinical testing. Allele origin: germline.
Comment: This sequence change replaces leucine, which is neutral and non-polar, with valine, which is neutral and non-polar, at codon 316 of the DIS3L2 protein (p.Leu316Val). This variant is not present in population databases (gnomAD no frequency). This variant has not been reported in the literature in individuals affected with DIS3L2-related conditions. ClinVar contains an entry for this variant (Variation ID: 1018873). Invitae Evidence Modeling of protein sequence and biophysical properties (such as structural, functional, and spatial information, amino acid conservation, physicochemical variation, residue mobility, and thermodynamic stability) indicates that this missense variant is not expected to disrupt DIS3L2 protein function with a negative predictive value of 80%. In summary, the available evidence is currently insufficient to determine the role of this variant in disease. Therefore, it has been classified as a Variant of Uncertain Significance.

Ambry Genetics
Classification: Uncertain significance for Inborn genetic diseases. Last evaluated: 2021-09-01. Review status: criteria provided, single submitter. Criteria: Ambry Variant Classification Scheme 2023. Collection method: clinical testing. Allele origin: germline.